The following is an entry in ClinVar:

NM_000548.5(TSC2):c.1126G>A (p.Asp376Asn)

Gene: TSC2 (TSC complex subunit 2; plus strand). Cytogenetic location: 16p13.3.
Variant type: single nucleotide variant.
Coding change: c.1126G>A on transcript NM_000548.5 (MANE Select); coding-DNA position 1126, G replaced by A.
Protein change: p.Asp376Asn; replaces aspartic acid 376 with asparagine.
Molecular consequence: missense variant.
Genome position (GRCh38, 1-based): chr16:2,061,877, G>A. VCF-style: chr16-2061877-G-A. GRCh37 (hg19) VCF-style: chr16-2111878-G-A.
Other names: c.1159G>A, p.Asp387Asn (NM_001318832.2); c.1126G>A, p.Asp376Asn (NM_001363528.2, NM_001370404.1, NM_001370405.1 and 3 more transcripts); c.1015G>A, p.Asp339Asn (NM_001318827.2); c.979G>A, p.Asp327Asn (NM_001318829.2); c.526G>A, p.Asp176Asn (NM_001318831.2); short protein forms D376N, D387N, D176N, D339N, D327N.
Identifiers: ClinVar variation 406132 (VCV000406132.8), dbSNP rs1060500976, ClinGen allele CA16614706.

ClinVar aggregate classification (germline): Uncertain significance (1 of 4 stars; one submission).

Conditions:
Tuberous sclerosis 2 (TSC2). Identifiers: Orphanet 805, MedGen C1860707, MONDO:0013199, OMIM 613254.

Submission:

Labcorp Genetics (formerly Invitae), Labcorp
Classification: Uncertain significance for Tuberous sclerosis 2. Last evaluated: 2022-08-06. Review status: criteria provided, single submitter. Criteria: Invitae Variant Classification Sherloc (09022015). Collection method: clinical testing. Allele origin: germline.
Comment: In summary, the available evidence is currently insufficient to determine the role of this variant in disease. Therefore, it has been classified as a Variant of Uncertain Significance. Advanced modeling of protein sequence and biophysical properties (such as structural, functional, and spatial information, amino acid conservation, physicochemical variation, residue mobility, and thermodynamic stability) performed at Invitae indicates that this missense variant is not expected to disrupt TSC2 protein function. ClinVar contains an entry for this variant (Variation ID: 406132). This variant has not been reported in the literature in individuals affected with TSC2-related conditions. This variant is not present in population databases (gnomAD no frequency). This sequence change replaces aspartic acid, which is acidic and polar, with asparagine, which is neutral and polar, at codon 376 of the TSC2 protein (p.Asp376Asn).